The following is an entry in ClinVar:

NM_001379200.1(TBX1):c.1000G>A (p.Val334Met)

Gene: TBX1 (T-box transcription factor 1; plus strand). Cytogenetic location: 22q11.21.
Variant type: single nucleotide variant.
Coding change: c.1000G>A on transcript NM_001379200.1 (MANE Select); coding-DNA position 1000, G replaced by A.
Protein change: p.Val334Met; replaces valine 334 with methionine.
Molecular consequence: missense variant.
Genome position (GRCh38, 1-based): chr22:19,765,966, G>A. VCF-style: chr22-19765966-G-A. GRCh37 (hg19) VCF-style: chr22-19753489-G-A.
Other names: c.973G>A, p.Val325Met (NM_005992.1, NM_080646.2, NM_080647.1); short protein forms V325M, V334M.
Identifiers: ClinVar variation 2904728 (VCV002904728.3), dbSNP rs1353019844, ClinGen allele CA410683866.
Genomic context (GRCh38, chr22:19,765,966, plus strand): 5'-CGGAACCACCGGCCCGGCGCACTGCCGCTCATGAGCGCCTTCGCGCGCTCGCGGAACCCC[G>A]TGGCTTCCCCGACGCAGCCCAGCGGCACGGAGAAAGGTAGGGCCGGGGTCGTGGGATCCG-3'
Protein context (NP_001366129.1, residues 324-344): MSAFARSRNP[Val334Met]ASPTQPSGTE

ClinVar aggregate classification (germline): Uncertain significance (1 of 4 stars; one submission).

Conditions:
DiGeorge syndrome. Also called: Catch22; THIRD AND FOURTH PHARYNGEAL POUCH SYNDROME. Identifiers: Orphanet 567, MedGen C0012236, MONDO:0008564, OMIM 188400.

Allele frequency attached by ClinVar (database versions not stated): TOPMed below 0.00001; gnomAD 0.00001.

Submission:

Labcorp Genetics (formerly Invitae), Labcorp
Classification: Uncertain significance for DiGeorge syndrome. Last evaluated: 2023-03-14. Review status: criteria provided, single submitter. Criteria: Invitae Variant Classification Sherloc (09022015). Collection method: clinical testing. Allele origin: germline.
Comment: In summary, the available evidence is currently insufficient to determine the role of this variant in disease. Therefore, it has been classified as a Variant of Uncertain Significance. Advanced modeling of protein sequence and biophysical properties (such as structural, functional, and spatial information, amino acid conservation, physicochemical variation, residue mobility, and thermodynamic stability) performed at Invitae indicates that this missense variant is not expected to disrupt TBX1 protein function. This variant has not been reported in the literature in individuals affected with TBX1-related conditions. This variant is not present in population databases (gnomAD no frequency). This sequence change replaces valine, which is neutral and non-polar, with methionine, which is neutral and non-polar, at codon 325 of the TBX1 protein (p.Val325Met).